The following continues an entry in ClinVar:

NM_000059.4(BRCA2):c.1310_1313del (p.Lys437fs)

Gene: BRCA2. ClinVar aggregate classification (germline): Pathogenic. Pathogenic (1).

Submissions 12 to 24 of 43:

Molecular Diagnostics Laboratory, Catalan Institute of Oncology
Classification: Pathogenic for Hereditary cancer-predisposing syndrome. Last evaluated: 2024-10-08. Review status: criteria provided, single submitter. Criteria: ClinGen BRCA1BRCA2 ACMG Specifications BRCA2 V1.0.0. Collection method: clinical testing. Allele origin: germline. Not counted in ClinVar's aggregate classification.
Comment: PVS1, PM5_PTC_Strong c.1310_1313del, located in exon 10 of the BRCA2 gene, consists in the deletion of five nucleotides, causing a translational frameshift with a predicted alternate stop codon p.(Lys437Ilefs*22). This alteration is expected to result in loss of function by premature protein truncation and nonsense-mediated mRNA decay (PVS1) (PM5_PTC_Strong). This variant is found in 1/228898 in the gnomAD v2.1.1 database, exome only non-cancer data set. The SpliceAI algorithm predicts no significant impact on splicing. In addition, it has been reported in ClinVar database (35x as pathogenic), LOVD database (77x as pathogenic, 1x VUS, 1x not provided) and reviewed by an expert panel as a pathogenic variant, ENIGMA (22/04/2016):”Variant allele predicted to encode a truncated non-functional protein”)) but has not been identified in the LOVD databases. Based on currently available information, the variant c.1310_1313del is classified as a pathogenic variant according to ClinGen-BRCA1 and BRCA2 Guidelines version 1.0.0.

All of Us Research Program, National Institutes of Health
Classification: Pathogenic for BRCA2-related cancer predisposition. Last evaluated: 2024-09-06. Review status: criteria provided, single submitter. Criteria: ACMG Guidelines, 2015. Collection method: clinical testing. Allele origin: germline. Inheritance: Autosomal dominant inheritance. Observed: 2 variant alleles, 2 heterozygotes. Not counted in ClinVar's aggregate classification.
Comment: This variant deletes 4 nucleotides in exon 10 of the BRCA2 gene, creating a frameshift and premature translation stop signal. This variant is expected to result in an absent or non-functional protein product. This variant has been reported in over 20 heterozygous individuals affected with breast or ovarian cancer (PMID: 17100994, 21156238, 21324516, 22144684, 22739995, 22798144, 22921157, 23479189, 24156927, 24549055, 25007954, 25777348, 20683152, 26843898, 30322717, 34645131, 33471991, 34490083) and has been identified in 110 families among the CIMBA participants (PMID: 29446198). This variant has also been observed in a homozygous state in 2 individuals affected with Fanconi Anemia and in a compound heterozygous state with a known pathogenic BRCA2 variant in 1 individual affected with Fanconi Anemia (PMID: 16015582, 25381700). This variant has been identified in 1/243408 chromosomes in the general population by the Genome Aggregation Database (gnomAD). Loss of BRCA2 function is a known mechanism of disease. Based on the available evidence, this variant is classified as Pathogenic.

This study involves interpretation of variants in research participants for the purpose of population health screening. Participant phenotype was not available at the time of variant classification. Additional details can be found in publication PMID: 35346344, PMCID: PMC8962531

Department of Clinical Genetics, Copenhagen University Hospital, Rigshospitalet
Classification: Pathogenic for Breast-ovarian cancer, familial, susceptibility to, 2. Last evaluated: 2024-05-27. Review status: criteria provided, single submitter. Criteria: ACMG Guidelines, 2015. Collection method: clinical testing. Allele origin: germline. Affected: yes. Not counted in ClinVar's aggregate classification.
Comment: PVS1; PM5_PTC_Strong

Baylor Genetics
Classification: Pathogenic for Familial cancer of breast. Last evaluated: 2024-03-05. Review status: criteria provided, single submitter. Criteria: ACMG Guidelines, 2015. Collection method: clinical testing. Allele origin: unknown. Not counted in ClinVar's aggregate classification.

Blueprint Genetics
Classification: Pathogenic for BRCA2-related disorders. Last evaluated: 2024-01-22. Review status: criteria provided, single submitter. Criteria: ACMG Guidelines, 2015. Collection method: clinical testing. Allele origin: germline. Affected: yes. Observed: 3 variant alleles. Not counted in ClinVar's aggregate classification.

Color Diagnostics, LLC DBA Color Health
Classification: Pathogenic for Hereditary cancer-predisposing syndrome. Last evaluated: 2024-01-22. Review status: criteria provided, single submitter. Criteria: ACMG Guidelines, 2015. Collection method: clinical testing. Allele origin: germline. Not counted in ClinVar's aggregate classification.
Comment: This variant deletes 4 nucleotides in exon 10 of the BRCA2 gene, creating a frameshift and premature translation stop signal. This variant is expected to result in an absent or non-functional protein product. This variant has been reported in over 20 heterozygous individuals affected with breast or ovarian cancer (PMID: 17100994, 21156238, 21324516, 22144684, 22739995, 22798144, 22921157, 23479189, 24156927, 24549055, 25007954, 25777348, 20683152, 26843898, 30322717, 34645131, 33471991, 34490083) and has been identified in 110 families among the CIMBA participants (PMID: 29446198). This variant has also been observed in a homozygous state in 2 individuals affected with Fanconi Anemia and in a compound heterozygous state with a known pathogenic BRCA2 variant in 1 individual affected with Fanconi Anemia (PMID: 16015582, 25381700). This variant has been identified in 1/243408 chromosomes in the general population by the Genome Aggregation Database (gnomAD). Loss of BRCA2 function is a known mechanism of disease. Based on the available evidence, this variant is classified as Pathogenic.

Revvity Omics, Revvity
Classification: Pathogenic. Last evaluated: 2023-02-17. Review status: criteria provided, single submitter. Criteria: ACMG Guidelines, 2015. Collection method: clinical testing. Allele origin: germline. Not counted in ClinVar's aggregate classification.

GeneDx
Classification: Pathogenic. Last evaluated: 2022-12-06. Review status: criteria provided, single submitter. Criteria: GeneDx Variant Classification Process June 2021. Collection method: clinical testing. Allele origin: germline. Affected: yes. Not counted in ClinVar's aggregate classification.
Comment: Frameshift variant predicted to result in protein truncation or nonsense mediated decay in a gene for which loss-of-function is a known mechanism of disease; Observed in the heterozygous state individuals with breast and/or ovarian cancer (Gayther et al., 1997; Zhang et al., 2011; Caputo et al., 2012; Kang et al., 2015; Laarabi et al., 2017); Not observed at significant frequency in large population cohorts (gnomAD); Truncating variants in this gene are considered pathogenic by a well-established clinical consortium and/or database; Also known as 1310del4, 1537del4, or 1538del4; This variant is associated with the following publications: (PMID: 25863477, 26219728, 27446417, 27469594, 26360800, 28324225, 26295337, 20683152, 12655567, 22798144, 30263132, 28918466, 29752822, 29922827, 28888541, 29884136, 32040686, 21324516, 8988179, 19478387, 26843898, 12955716, 22144684, 22684231, 15131399, 2290898, 28776284, 28577564, 28263838, 28814288, 28127413, 22217648, 18465347, 19471317, 27025497, 28724667, 30720863, 28111427, 30720243, 30702160, 30322717, 30535581, 31090900, 31447099, 31263054, 33240314, 33468216, 34456966, 30787465, 34645131, 32778078, 34150972, 34490083, 34646395, 33606809, 34247626, 32596633, 31060517, 23519070, 25418591, 32341426, 31825140, 31209999, 30675319, 31327751, 30352249, 29681614, 29791287, 33726785, 33646313, 32719484, 33087929, 20104584, 25381700)

Laboratory for Molecular Medicine, Mass General Brigham Personalized Medicine
Classification: Pathogenic for Hereditary breast ovarian cancer syndrome. Last evaluated: 2022-02-13. Review status: criteria provided, single submitter. Criteria: ACMG Guidelines, 2015. Collection method: clinical testing. Allele origin: germline. Not counted in ClinVar's aggregate classification.
Comment: The p.Lys437IlefsX22 variant in BRCA2 has been reported in the heterozygous state in >30 individuals with BRCA2-associated cancers (Gayther 1997 PMID: 8988179, Caputo 2012 PMID: 22144684, Laarabi 2017 PMID: 28577564, BIC database) and in the homozygous state in a child with Fanconi anemia (Malric 2015 PMID: 25381700). This variant has also been identified in 0.009% (1/10618) of European chromosomes by gnomAD (v3.1). This frequency is low enough to be consistent with the frequency of hereditary breast and ovarian cancer (HBOC) in the general population. The p.Lys437IlefsX22 variant is predicted to cause a frameshift, which alters the protein’s amino acid sequence beginning at position 437 and leads to a premature termination codon 22 amino acids downstream. This alteration is then predicted to lead to a truncated or absent protein. Loss of function of the BRCA2 gene is an established disease mechanism in HBOC. Additionally, this variant was classified as pathogenic on Apr. 22, 2016 by the ClinGen-approved ENIGMA expert panel (ClinVar Variation ID: 37737). In summary, this variant meets criteria to be classified as pathogenic for autosomal dominant HBOC. ACMG/AMP Criteria applied: PVS1, PS4, PM2_Supporting.

CHEO Genetics Diagnostic Laboratory, Children's Hospital of Eastern Ontario
Classification: Pathogenic for Breast and/or ovarian cancer. Last evaluated: 2022-01-12. Review status: criteria provided, single submitter. Criteria: ACMG Guidelines, 2015. Collection method: clinical testing. Allele origin: germline. Not counted in ClinVar's aggregate classification.

Institute for Clinical Genetics, University Hospital TU Dresden, University Hospital TU Dresden
Classification: Pathogenic. Last evaluated: 2021-11-03. Review status: criteria provided, single submitter. Criteria: ACMG Guidelines, 2015. Collection method: clinical testing. Allele origin: germline. Not counted in ClinVar's aggregate classification.

Department of Pathology and Laboratory Medicine, Sinai Health System
Classification: Pathogenic for Familial pancreatic carcinoma. Last evaluated: 2020-09-02. Review status: criteria provided, single submitter. Criteria: ACMG Guidelines, 2015. Collection method: clinical testing. Allele origin: germline. Affected: yes. Not counted in ClinVar's aggregate classification.

GeneKor MSA
Classification: Pathogenic. Last evaluated: 2020-01-01. Review status: criteria provided, single submitter. Criteria: ACMG Guidelines, 2015. Collection method: clinical testing. Allele origin: germline. Not counted in ClinVar's aggregate classification.
Comment: This sequence change deletes four nucleotides from exon 10 of the BRCA2 mRNA (c.1310_1313delAAGA), causing a frameshift after codon 437 and the creation of a premature translational stop signal 22 amino acid residues later p.(Lys437Ilefs*22). This is expected to result in an absent or disrupted protein product. Truncating variants in BRCA2 are known to be pathogenic. This particular variant, also known as BRCA2 1310del4, 1537del4 and 1538del4 using alternate nomenclature has been described in the literature in heterozygous state in numerous individuals and families affected by breast and/or ovarian cancer (PMID: 8988179, 12955716, 25863477). This variant has also been described in homozygous state in a child affected by Fanconi Anaemia (PMID: 25381700). The mutation database ClinVar contains entries for this variant (Variation ID: 37737).